The following is an entry in ClinVar:

NM_004239.4(TRIP11):c.2455A>G (p.Lys819Glu)

Gene: TRIP11 (thyroid hormone receptor interactor 11; minus strand). Cytogenetic location: 14q32.12.
Variant type: single nucleotide variant.
Coding change: c.2455A>G on transcript NM_004239.4 (MANE Select); coding-DNA position 2455, A replaced by G.
Protein change: p.Lys819Glu; replaces lysine 819 with glutamic acid.
Molecular consequence: missense variant.
Genome position (GRCh38, 1-based): chr14:92,005,521, T>C on the plus strand (A>G on the coding strand, the complement: TRIP11 is on the minus strand). VCF-style: chr14-92005521-T-C. GRCh37 (hg19) VCF-style: chr14-92471865-T-C.
Other names: c.2452A>G, p.Lys818Glu (NM_001321851.1); short protein forms K819E, K818E.
Identifiers: ClinVar variation 1987408 (VCV001987408.4), dbSNP rs765507560, ClinGen allele CA7313775.

ClinVar aggregate classification (germline): Uncertain significance (1 of 4 stars; one submission).

Conditions:
Achondrogenesis, type IA (ACG1A). Identifiers: Orphanet 932, Orphanet 93299, MedGen C0265273, MONDO:0008701, OMIM 200600.

Allele frequency attached by ClinVar (database versions not stated): gnomAD exomes below 0.00001; ExAC 0.00001.
gnomAD v4.1: 2 of 1,611,814 alleles (0.00012%); highest among the groups gnomAD compares: Middle Eastern, 0.017%; no homozygotes.

Submission:

Labcorp Genetics (formerly Invitae), Labcorp
Classification: Uncertain significance for Achondrogenesis, type IA. Last evaluated: 2022-09-27. Review status: criteria provided, single submitter. Criteria: Invitae Variant Classification Sherloc (09022015). Collection method: clinical testing. Allele origin: germline.
Comment: In summary, the available evidence is currently insufficient to determine the role of this variant in disease. Therefore, it has been classified as a Variant of Uncertain Significance. Advanced modeling of protein sequence and biophysical properties (such as structural, functional, and spatial information, amino acid conservation, physicochemical variation, residue mobility, and thermodynamic stability) performed at Invitae indicates that this missense variant is not expected to disrupt TRIP11 protein function. This variant has not been reported in the literature in individuals affected with TRIP11-related conditions. The frequency data for this variant in the population databases is considered unreliable, as metrics indicate poor data quality at this position in the gnomAD database. This sequence change replaces lysine, which is basic and polar, with glutamic acid, which is acidic and polar, at codon 819 of the TRIP11 protein (p.Lys819Glu).